The following is an entry in ClinVar:

NM_005883.3(APC2):c.4064T>G (p.Leu1355Arg)

Gene: APC2 (APC regulator of Wnt signaling pathway 2; plus strand). Cytogenetic location: 19p13.3.
Variant type: single nucleotide variant.
Coding change: c.4064T>G on transcript NM_005883.3 (MANE Select); coding-DNA position 4064, T replaced by G.
Protein change: p.Leu1355Arg; replaces leucine 1355 with arginine.
Molecular consequence: missense variant.
Genome position (GRCh38, 1-based): chr19:1,467,365, T>G. VCF-style: chr19-1467365-T-G. GRCh37 (hg19) VCF-style: chr19-1467364-T-G.
Other names: c.4061T>G, p.Leu1354Arg (NM_001351273.1); short protein forms L1355R, L1354R.
Identifiers: ClinVar variation 2114334 (VCV002114334.4), dbSNP rs2512528535, ClinGen allele CA403034135.

ClinVar aggregate classification (germline): Uncertain significance (1 of 4 stars; one submission).

gnomAD v4.1: 3 of 1,472,840 alleles (0.0002%); highest among the groups gnomAD compares: Non-Finnish European, 0.00027%; no homozygotes.

Submission:

Labcorp Genetics (formerly Invitae), Labcorp
Classification: Uncertain significance. Last evaluated: 2024-07-01. Review status: criteria provided, single submitter. Criteria: Invitae Variant Classification Sherloc (09022015). Collection method: clinical testing. Allele origin: germline.
Comment: This sequence change replaces leucine, which is neutral and non-polar, with arginine, which is basic and polar, at codon 1355 of the APC2 protein (p.Leu1355Arg). This variant is not present in population databases (gnomAD no frequency). This variant has not been reported in the literature in individuals affected with APC2-related conditions. ClinVar contains an entry for this variant (Variation ID: 2114334). Advanced modeling of protein sequence and biophysical properties (such as structural, functional, and spatial information, amino acid conservation, physicochemical variation, residue mobility, and thermodynamic stability) performed at Invitae indicates that this missense variant is not expected to disrupt APC2 protein function with a negative predictive value of 80%. In summary, the available evidence is currently insufficient to determine the role of this variant in disease. Therefore, it has been classified as a Variant of Uncertain Significance.